The following is an entry in ClinVar:

NM_001164688.2(RD3):c.43C>T (p.Arg15Trp)

Gene: RD3 (RD3 regulator of GUCY2D; minus strand). Cytogenetic location: 1q32.3.
Variant type: single nucleotide variant.
Coding change: c.43C>T on transcript NM_001164688.2 (MANE Select); coding-DNA position 43, C replaced by T.
Protein change: p.Arg15Trp; replaces arginine 15 with tryptophan.
Molecular consequence: missense variant.
Genome position (GRCh38, 1-based): chr1:211,481,373, G>A on the plus strand (C>T on the coding strand, the complement: RD3 is on the minus strand). VCF-style: chr1-211481373-G-A. GRCh37 (hg19) VCF-style: chr1-211654715-G-A.
Other names: c.43C>T, p.Arg15Trp (NM_183059.3); c.43C>T (NM_183059.2); short protein forms R15W.
Identifiers: ClinVar variation 1042181 (VCV001042181.11), dbSNP rs376558739, ClinGen allele CA1381169.

ClinVar aggregate classification (germline): Uncertain significance. Review status: criteria provided, multiple submitters, no conflicts (2 of 4 stars). 4 submissions from 4 submitters: Uncertain significance (4). Last evaluated 2025-08-03.

Conditions:
Inborn genetic diseases. Identifiers: MedGen C0950123, MeSH D030342.
Leber congenital amaurosis 12 (LCA12). Identifiers: Orphanet 65, MedGen C1857743, MONDO:0012525, OMIM 610612.

Allele frequency attached by ClinVar (database versions not stated): gnomAD exomes 0.00007 and 0.00012; ESP Exome Variant Server 0.00008; gnomAD 0.00009; TOPMed 0.00009; 1000 Genomes Project 30x 0.00016; ExAC 0.00017; 1000 Genomes Project 0.00020.
gnomAD v4.1: 116 of 1,613,690 alleles (0.0072%); highest among the groups gnomAD compares: Admixed American, 0.01%; no homozygotes.

Submissions (4):

Ambry Genetics
Classification: Uncertain significance for Inborn genetic diseases. Last evaluated: 2025-08-03. Review status: criteria provided, single submitter. Criteria: Ambry Variant Classification Scheme 2023. Collection method: clinical testing. Allele origin: germline.

Labcorp Genetics (formerly Invitae), Labcorp
Classification: Uncertain significance for Leber congenital amaurosis 12. Last evaluated: 2025-07-28. Review status: criteria provided, single submitter. Criteria: Invitae Variant Classification Sherloc (09022015). Collection method: clinical testing. Allele origin: germline.
Comment: This sequence change replaces arginine, which is basic and polar, with tryptophan, which is neutral and slightly polar, at codon 15 of the RD3 protein (p.Arg15Trp). This variant is present in population databases (rs376558739, gnomAD 0.02%). This variant has not been reported in the literature in individuals affected with RD3-related conditions. ClinVar contains an entry for this variant (Variation ID: 1042181). An algorithm developed to predict the effect of missense changes on protein structure and function (PolyPhen-2) suggests that this variant is likely to be disruptive. In summary, the available evidence is currently insufficient to determine the role of this variant in disease. Therefore, it has been classified as a Variant of Uncertain Significance.

Blueprint Genetics
Classification: Uncertain significance. Last evaluated: 2024-06-14. Review status: criteria provided, single submitter. Criteria: ACMG Guidelines, 2015. Collection method: clinical testing. Allele origin: germline.

Fulgent Genetics
Classification: Uncertain significance for Leber congenital amaurosis 12. Last evaluated: 2021-12-06. Review status: criteria provided, single submitter. Criteria: ACMG Guidelines, 2015. Collection method: clinical testing. Allele origin: unknown.